The following is an entry in ClinVar:

ClinVar aggregate classification (germline): Uncertain significance (1 of 4 stars; one submission).

gnomAD v4.1: 152 of 1,611,834 alleles (0.0094%); highest among the groups gnomAD compares: South Asian, 0.018%; no homozygotes.

Submission:

Labcorp Genetics (formerly Invitae), Labcorp
Classification: Uncertain significance. Last evaluated: 2024-07-31. Review status: criteria provided, single submitter. Criteria: Invitae Variant Classification Sherloc (09022015). Collection method: clinical testing. Allele origin: germline.
Comment: This sequence change replaces threonine, which is neutral and polar, with methionine, which is neutral and non-polar, at codon 58 of the DENND5A protein (p.Thr58Met). This variant is present in population databases (rs140469660, gnomAD 0.01%). This variant has not been reported in the literature in individuals affected with DENND5A-related conditions. An algorithm developed to predict the effect of missense changes on protein structure and function (PolyPhen-2) suggests that this variant is likely to be tolerated. Algorithms developed to predict the effect of sequence changes on RNA splicing suggest that this variant may disrupt the consensus splice site. In summary, the available evidence is currently insufficient to determine the role of this variant in disease. Therefore, it has been classified as a Variant of Uncertain Significance.

NM_015213.4(DENND5A):c.173C>T (p.Thr58Met)

Gene: DENND5A (DENN domain containing 5A; minus strand). Cytogenetic location: 11p15.4.
Variant type: single nucleotide variant.
Coding change: c.173C>T on transcript NM_015213.4 (MANE Select); coding-DNA position 173, C replaced by T.
Protein change: p.Thr58Met; replaces threonine 58 with methionine.
Molecular consequence: missense variant. On other transcripts: 5 prime UTR variant (1), non-coding transcript variant (1), intron variant (1).
Genome position (GRCh38, 1-based): chr11:9,207,569, G>A on the plus strand (C>T on the coding strand, the complement: DENND5A is on the minus strand). VCF-style: chr11-9207569-G-A. GRCh37 (hg19) VCF-style: chr11-9229116-G-A.
Other names: c.173C>T, p.Thr58Met (NM_001243254.2); c.-152C>T (NM_001348750.2); c.110-787C>T (NM_001348749.2); short protein forms T58M.
Identifiers: ClinVar variation 3608381 (VCV003608381.2).
Genomic context (GRCh38, chr11:9,207,569, plus strand): 5'-TGTAAGAACCATTAGAAAGCTTTGGGTGTTCTCAATTTTGTTTTGTTTTTACCTTCAGTC[G>A]TACTTGAAATGAAAGGGCTGGCACCATCCCTGGCTTTAGAAGCCTGTATGTACTGGCATA-3'
Protein context (NP_056028.2, residues 48-68): RDGASPFISS[Thr58Met]TEGENFEQTP